The following is an entry in ClinVar:

ClinVar aggregate classification (germline): Uncertain significance. Review status: criteria provided, multiple submitters, no conflicts (2 of 4 stars). 2 submissions from 2 submitters: Uncertain significance (2). Last evaluated 2024-11-19.

Conditions:
Emery-Dreifuss muscular dystrophy (EDMD). Also called: Scapuloperoneal syndrome, X-linked (formerly); Humeroperoneal neuromuscular disease, (formerly). Identifiers: Orphanet 261, MedGen C0410189, MONDO:0016830.

Allele frequency attached by ClinVar (database versions not stated): gnomAD exomes 0.00001; TOPMed 0.00006.
gnomAD v4.1: 14 of 1,608,252 alleles (0.00087%); highest among the groups gnomAD compares: African/African-American, 0.015%; no homozygotes.

Submissions (2):

Ambry Genetics
Classification: Uncertain significance. Last evaluated: 2024-11-19. Review status: criteria provided, single submitter. Criteria: Ambry Variant Classification Scheme 2023. Collection method: clinical testing. Allele origin: germline.

Labcorp Genetics (formerly Invitae), Labcorp
Classification: Uncertain significance for Emery-Dreifuss muscular dystrophy. Last evaluated: 2023-05-22. Review status: criteria provided, single submitter. Criteria: Invitae Variant Classification Sherloc (09022015). Collection method: clinical testing. Allele origin: germline.
Comment: This sequence change replaces aspartic acid, which is acidic and polar, with glycine, which is neutral and non-polar, at codon 154 of the SUN1 protein (p.Asp154Gly). In summary, the available evidence is currently insufficient to determine the role of this variant in disease. Therefore, it has been classified as a Variant of Uncertain Significance. An algorithm developed to predict the effect of missense changes on protein structure and function (PolyPhen-2) suggests that this variant is likely to be disruptive. ClinVar contains an entry for this variant (Variation ID: 2137124). This variant has not been reported in the literature in individuals affected with SUN1-related conditions. The frequency data for this variant in the population databases is considered unreliable, as metrics indicate poor data quality at this position in the gnomAD database.

NM_001130965.3(SUN1):c.461A>G (p.Asp154Gly)

Gene: SUN1 (Sad1 and UNC84 domain containing 1; plus strand). Cytogenetic location: 7p22.3.
Variant type: single nucleotide variant.
Coding change: c.461A>G on transcript NM_001130965.3 (MANE Select); coding-DNA position 461, A replaced by G.
Protein change: p.Asp154Gly; replaces aspartic acid 154 with glycine.
Molecular consequence: missense variant. On other transcripts: 5 prime UTR variant (3), non-coding transcript variant (3), intron variant (1).
Genome position (GRCh38, 1-based): chr7:843,215, A>G. VCF-style: chr7-843215-A-G. GRCh37 (hg19) VCF-style: chr7-882852-A-G.
Other names: c.461A>G, p.Asp154Gly (NM_001367682.1, NM_001367683.1, NM_001367685.1 and 33 more transcripts); c.311A>G, p.Asp104Gly (NM_001367684.1, NM_001367686.1, NM_001367689.1 and 24 more transcripts); c.-107A>G (NM_001367708.1, NM_001367639.1); c.461A>G (NM_001130965.2); c.524A>G, p.Asp175Gly (NM_001171945.2); c.4A>G, p.Met2Val (NM_001367635.1); c.680A>G, p.Asp227Gly (NM_001367651.1); c.-301A>G (NM_001367658.1); and 2 more; short protein forms D227G, D91G, D175G, M2V, D104G, D154G.
Identifiers: ClinVar variation 2137124 (VCV002137124.5), dbSNP rs200622779, ClinGen allele CA4111543.